The following is an entry in ClinVar:

NM_000152.5(GAA):c.1636+117C>T

Gene: GAA (alpha glucosidase; plus strand). Cytogenetic location: 17q25.3.
Variant type: single nucleotide variant.
Coding change: c.1636+117C>T on transcript NM_000152.5 (MANE Select); 117 bases into the intron after coding-DNA position 1636, C replaced by T.
Molecular consequence: intron variant.
Genome position (GRCh38, 1-based): chr17:80,111,142, C>T. VCF-style: chr17-80111142-C-T. GRCh37 (hg19) VCF-style: chr17-78084941-C-T.
Other names: NC_000017.10:g.78084941C>T; c.1636+117C>T (NM_001406741.1, NM_001406742.1, NM_001079803.3 and 1 more transcripts).
Identifiers: ClinVar variation 4428516 (VCV004428516.2).
Genomic context (GRCh38, chr17:80,111,142, plus strand): 5'-TGGCCTGGGAGACTTAGCACCCTCATCTCTGAGAAGCAGATGGGCCAGCGGGGAAAGGGG[C>T]GGGGGGGGGATCCCCAGGAGAAAGGCTCAGGCTGGGAGACTCAGCCAAGCAGTGCAGACA-3'

ClinVar aggregate classification (germline): Benign (1 of 4 stars; one submission).

Conditions:
Glycogen storage disease, type II (IOPD). Also called: CARDIOMEGALIA GLYCOGENICA DIFFUSA; GLYCOGENOSIS, GENERALIZED, CARDIAC FORM; GSD II; Glycogen storage disease type 2; Acid maltase deficiency disease; Aglucosidase alfa. Identifiers: Orphanet 365, MedGen C0017921, MONDO:0009290, OMIM 232300.

Submissions (4):

Genomenon, Inc
Classification: Benign for Glycogen storage disease, type II. Last evaluated: 2026-07-01. Review status: criteria provided, single submitter. Criteria: Genomenon Sequence Variant Interpretation Standards - Updated. Collection method: curation. Allele origin: germline. Affected: no.
Comment: GAA c.1636+117C>T is an intronic variant located in intron 11. This variant is present at high allele frequency in population databases. We classify GAA c.1636+117C>T as a benign variant.

Dr. Peter K. Rogan Lab, Western University
No classification provided (evidence only). Condition: Acute myeloid leukemia. Review status: no classification provided. Collection method: in vitro. Allele origin: not applicable. Functional consequence: retained intron. Not counted in ClinVar's aggregate classification.

Dr. Peter K. Rogan Lab, Western University
No classification provided (evidence only). Condition: Malignant lymphoma, large B-cell, diffuse. Review status: no classification provided. Collection method: in vitro. Allele origin: not applicable. Functional consequence: retained intron. Not counted in ClinVar's aggregate classification.

Dr. Peter K. Rogan Lab, Western University
No classification provided (evidence only). Condition: Uterine carcinosarcoma. Review status: no classification provided. Collection method: in vitro. Allele origin: not applicable. Functional consequence: retained intron. Not counted in ClinVar's aggregate classification.